The following is an entry in ClinVar:

NM_003560.4(PLA2G6):c.1063C>T (p.His355Tyr)

Gene: PLA2G6 (phospholipase A2 group VI; minus strand). Cytogenetic location: 22q13.1.
Variant type: single nucleotide variant.
Coding change: c.1063C>T on transcript NM_003560.4 (MANE Select); coding-DNA position 1063, C replaced by T.
Protein change: p.His355Tyr; replaces histidine 355 with tyrosine.
Molecular consequence: missense variant.
Genome position (GRCh38, 1-based): chr22:38,132,845, G>A on the plus strand (C>T on the coding strand, the complement: PLA2G6 is on the minus strand). VCF-style: chr22-38132845-G-A. GRCh37 (hg19) VCF-style: chr22-38528852-G-A.
Other names: c.1063C>T, p.His355Tyr (NM_001004426.3, NM_001199562.3, NM_001349864.2 and 2 more transcripts); c.529C>T, p.His177Tyr (NM_001349867.2, NM_001349869.2); c.385C>T, p.His129Tyr (NM_001349868.2); short protein forms H129Y, H177Y, H355Y.
Identifiers: ClinVar variation 1305097 (VCV001305097.3), dbSNP rs777460339, ClinGen allele CA10231065.

ClinVar aggregate classification (germline): Uncertain significance (1 of 4 stars; one submission).

Allele frequency attached by ClinVar (database versions not stated): gnomAD exomes below 0.00001 and 0.00001; TOPMed below 0.00001; ExAC 0.00006.
gnomAD v4.1: 2 of 1,548,334 alleles (0.00013%); highest among the groups gnomAD compares: Non-Finnish European, 0.00017%; no homozygotes.

Submission:

GeneDx
Classification: Uncertain significance. Last evaluated: 2023-12-11. Review status: criteria provided, single submitter. Criteria: GeneDx Variant Classification Process June 2021. Collection method: clinical testing. Allele origin: germline. Affected: yes.
Comment: Not observed at significant frequency in large population cohorts (gnomAD); In silico analysis supports that this missense variant has a deleterious effect on protein structure/function; Has not been previously published as pathogenic or benign to our knowledge